The following is an entry in ClinVar:

ClinVar aggregate classification (germline): Conflicting classifications of pathogenicity. Review status: criteria provided, conflicting classifications (1 of 4 stars). 3 submissions from 3 submitters: Likely pathogenic (1); Uncertain significance (2). Last evaluated 2025-10-01.

Conditions:
Methylmalonic acidemia with homocystinuria, type cblJ (MAHCJ). Also called: METHYLMALONIC ACIDURIA AND HOMOCYSTINURIA, cblJ TYPE. Identifiers: Orphanet 369955, MedGen C3553915, MONDO:0013925, OMIM 614857.

gnomAD v4.1: 14 of 1,614,206 alleles (0.00087%); highest among the groups gnomAD compares: Middle Eastern, 0.016%; no homozygotes.

Submissions (3):

Hadassah Hebrew University Medical Center
Classification: Likely pathogenic for Methylmalonic acidemia with homocystinuria, type cblJ. Last evaluated: 2025-10-01. Review status: criteria provided, single submitter. Criteria: ACMG Guidelines, 2015. Collection method: clinical testing. Allele origin: germline. Affected: yes.
Comment: This intronic variant is located in intron 18 of the ABCD4 gene. It was previously reported in a compound heterozygous state in an individual with an ABCD4-related phenotype .

3billion
Classification: Uncertain significance for Methylmalonic acidemia with homocystinuria, type cblJ. Last evaluated: 2024-12-09. Review status: criteria provided, single submitter. Criteria: ACMG Guidelines, 2015. Collection method: clinical testing. Allele origin: germline. Affected: yes.
Comment: The variant is observed at an extremely low frequency in the gnomAD v4.1.0 dataset (total allele frequency: <0.001%). Predicted Consequence/Location: Intron variant In silico tools predict the variant to alter splicing and produce an abnormal transcript [SpliceAI: 0.48 (>=0.2, moderate evidence for spliceogenicity)]. The variant has been reported to be associated with ABCD4-related disorder (PMID: 33729671). However, the evidence of pathogenicity is insufficient at this time. Therefore, this variant is classified as VUS according to the recommendation of ACMG/AMP guideline.

CeGaT Center for Human Genetics Tuebingen
Classification: Uncertain significance. Last evaluated: 2021-08-01. Review status: criteria provided, single submitter. Criteria: CeGaT Center For Human Genetics Tuebingen Variant Classification Criteria Version 2. Collection method: clinical testing. Allele origin: germline. Affected: yes. Observed: 1 variant allele.

Literature cited by the submitters: PubMed 33729671 (cited by Hadassah Hebrew University Medical Center and 3billion).

NM_005050.4(ABCD4):c.1753-12G>A

Gene: ABCD4 (ATP binding cassette subfamily D member 4; minus strand). Cytogenetic location: 14q24.3.
Variant type: single nucleotide variant.
Coding change: c.1753-12G>A on transcript NM_005050.4 (MANE Select); 12 bases into the intron before coding-DNA position 1753, G replaced by A.
Molecular consequence: intron variant. On other transcripts: 3 prime UTR variant (11), non-coding transcript variant (3).
Genome position (GRCh38, 1-based): chr14:74,286,541, C>T on the plus strand (G>A on the coding strand, the complement: ABCD4 is on the minus strand). VCF-style: chr14-74286541-C-T. GRCh37 (hg19) VCF-style: chr14-74753244-C-T.
Other names: c.*133G>A (NM_001353592.2, NM_001353594.2, NM_001353599.2 and 7 more transcripts); c.964-12G>A (NM_001353602.2, NM_001353605.2, NM_001353604.2 and 1 more transcripts); c.1339-12G>A (NM_001353595.2, NM_001353596.2); c.*249G>A (NM_001353610.2); c.1276-12G>A (NM_001353598.2, NM_020324.3); c.1492-12G>A (NM_001353593.2); c.1288-12G>A (NM_001353597.2); c.1627-12G>A (NM_001353591.2).
Identifiers: ClinVar variation 1701235 (VCV001701235.32), dbSNP rs930102975, ClinGen allele CA263580698.
Genomic context (GRCh38, chr14:74,286,541, plus strand): 5'-TCAGCTCCCATCTTCCTCCTCCACAGAGTTTCAGAACCAAGGAATGAAACTACAAGAGAC[C>T]ACCACCACATGGAGATCAGGCTGCCCTGGCCGCTGGCAGAGGAGGCCACTCGGTTCTCTC-3'